The following is an entry in ClinVar:

NM_000465.4(BARD1):c.1360C>A (p.Pro454Thr)

Gene: BARD1 (BRCA1 associated RING domain 1; minus strand). Cytogenetic location: 2q35.
Variant type: single nucleotide variant.
Coding change: c.1360C>A on transcript NM_000465.4 (MANE Select); coding-DNA position 1360, C replaced by A.
Protein change: p.Pro454Thr; replaces proline 454 with threonine.
Molecular consequence: missense variant. On other transcripts: non-coding transcript variant (3), intron variant (3).
Genome position (GRCh38, 1-based): chr2:214,769,267, G>T on the plus strand (C>A on the coding strand, the complement: BARD1 is on the minus strand). VCF-style: chr2-214769267-G-T. GRCh37 (hg19) VCF-style: chr2-215633991-G-T.
Other names: c.1303C>A, p.Pro435Thr (NM_001282543.2); c.159-16712C>A (NM_001282548.2); c.216-16712C>A (NM_001282545.2); c.364+23030C>A (NM_001282549.2); short protein forms P435T, P454T.
Identifiers: ClinVar variation 2450464 (VCV002450464.3), dbSNP rs730881408, ClinGen allele CA350450305.

ClinVar aggregate classification (germline): Uncertain significance. Review status: criteria provided, multiple submitters, no conflicts (2 of 4 stars). 2 submissions from 2 submitters: Uncertain significance (2). Last evaluated 2023-05-25.

Conditions:
Familial cancer of breast. Also called: BREAST CANCER, FAMILIAL; Hereditary breast cancer; hereditary breast carcinoma. Identifiers: Orphanet 227535, MedGen C0346153, MONDO:0016419, OMIM 114480. Disease mechanism: loss of function.
Hereditary cancer-predisposing syndrome. Also called: Neoplastic Syndromes, Hereditary; Tumor predisposition; Hereditary neoplastic syndrome; Hereditary Cancer Syndrome. Identifiers: Orphanet 140162, MedGen C0027672, MeSH D009386, MONDO:0015356.

gnomAD v4.1: 2 of 1,613,750 alleles (0.00012%); highest among the groups gnomAD compares: Non-Finnish European, 0.00017%; no homozygotes.

Submissions (2):

Baylor Genetics
Classification: Uncertain significance for Familial cancer of breast. Last evaluated: 2023-05-25. Review status: criteria provided, single submitter. Criteria: ACMG Guidelines, 2015. Collection method: clinical testing. Allele origin: unknown.

Ambry Genetics
Classification: Uncertain significance for Hereditary cancer-predisposing syndrome. Last evaluated: 2022-11-27. Review status: criteria provided, single submitter. Criteria: Ambry Variant Classification Scheme 2023. Collection method: clinical testing. Allele origin: germline.
Comment: The p.P454T variant (also known as c.1360C>A), located in coding exon 5 of the BARD1 gene, results from a C to A substitution at nucleotide position 1360. The proline at codon 454 is replaced by threonine, an amino acid with highly similar properties. This amino acid position is conserved. In addition, this alteration is predicted to be deleterious by in silico analysis. Since supporting evidence is limited at this time, the clinical significance of this alteration remains unclear.